The following is an entry in ClinVar:

ClinVar aggregate classification (germline): Pathogenic (1 of 4 stars; one submission).

Conditions:
Familial cancer of breast. Also called: BREAST CANCER, FAMILIAL; Hereditary breast cancer; hereditary breast carcinoma. Identifiers: Orphanet 227535, MedGen C0346153, MONDO:0016419, OMIM 114480. Disease mechanism: loss of function.

Submission:

Myriad Genetics, Inc.
Classification: Pathogenic for Familial cancer of breast. Last evaluated: 2024-01-22. Review status: criteria provided, single submitter. Criteria: Myriad Autosomal Dominant, Autosomal Recessive and X-Linked Classification Criteria (2023). Collection method: clinical testing. Allele origin: unknown.
Comment: This variant is considered pathogenic. This variant creates a frameshift predicted to result in premature protein truncation.

NM_000051.4(ATM):c.3592dup (p.Ser1198fs)

Gene: ATM (ATM serine/threonine kinase; plus strand). Cytogenetic location: 11q22.3.
Variant type: Duplication.
Coding change: c.3592dup on transcript NM_000051.4 (MANE Select); coding-DNA position 3592, one base duplicated (T; older notation c.3592dupT).
Protein change: p.Ser1198fs; shifts the reading frame from serine 1198.
Molecular consequence: frameshift variant.
Genome position (GRCh38, 1-based): chr11:108,282,725, T duplicated; the last of 3 consecutive T bases (chr11:108,282,723-108,282,725); duplicating any one gives the same sequence. VCF-style (leftmost placement, unchanged base first): chr11-108282722-G-GT. GRCh37 (hg19) VCF-style: chr11-108153449-G-GT.
Other names: c.3592dup, p.Ser1198fs (NM_001351834.2); short protein forms S1198fs.
Identifiers: ClinVar variation 3148404 (VCV003148404.1), dbSNP rs2546878833, ClinGen allele CA2825001835.